The following is an entry in ClinVar:

ClinVar aggregate classification (germline): Pathogenic (1 of 4 stars; one submission).

Conditions:
Hereditary cancer-predisposing syndrome. Also called: Tumor predisposition; Hereditary Cancer Syndrome; Neoplastic Syndromes, Hereditary; Hereditary neoplastic syndrome. Identifiers: Orphanet 140162, MedGen C0027672, MeSH D009386, MONDO:0015356.

Allele frequency attached by ClinVar (database versions not stated): gnomAD exomes below 0.00001.
gnomAD v4.1: 2 of 1,613,730 alleles (0.00012%); highest among the groups gnomAD compares: Non-Finnish European, 0.00017%; no homozygotes.

Submission:

Ambry Genetics
Classification: Pathogenic for Hereditary cancer-predisposing syndrome. Last evaluated: 2019-04-23. Review status: criteria provided, single submitter. Criteria: Ambry Variant Classification Scheme 2023. Collection method: clinical testing. Allele origin: germline.
Comment: The p.Q361* pathogenic mutation (also known as c.1081C>T), located in coding exon 8 of the RAD50 gene, results from a C to T substitution at nucleotide position 1081. This changes the amino acid from a glutamine to a stop codon within coding exon 8. This alteration is expected to result in loss of function by premature protein truncation or nonsense-mediated mRNA decay. As such, this alteration is interpreted as a disease-causing mutation.

NM_005732.4(RAD50):c.1081C>T (p.Gln361Ter)

Gene: RAD50 (RAD50 double strand break repair protein; plus strand). Cytogenetic location: 5q31.1.
Variant type: single nucleotide variant.
Coding change: c.1081C>T on transcript NM_005732.4 (MANE Select); coding-DNA position 1081, C replaced by T.
Protein change: p.Gln361Ter; replaces glutamine 361 with a stop codon.
Molecular consequence: nonsense.
Genome position (GRCh38, 1-based): chr5:132,588,716, C>T. VCF-style: chr5-132588716-C-T. GRCh37 (hg19) VCF-style: chr5-131924408-C-T.
Other names: short protein forms Q361*.
Identifiers: ClinVar variation 822125 (VCV000822125.4), dbSNP rs1580992695, ClinGen allele CA360942138.